The following is an entry in ClinVar:

NM_001457.4(FLNB):c.3784G>A (p.Gly1262Arg)

Gene: FLNB (filamin B; plus strand). Cytogenetic location: 3p14.3.
Variant type: single nucleotide variant.
Coding change: c.3784G>A on transcript NM_001457.4 (MANE Select); coding-DNA position 3784, G replaced by A.
Protein change: p.Gly1262Arg; replaces glycine 1262 with arginine.
Molecular consequence: missense variant.
Genome position (GRCh38, 1-based): chr3:58,124,391, G>A. VCF-style: chr3-58124391-G-A. GRCh37 (hg19) VCF-style: chr3-58110118-G-A.
Other names: c.3784G>A, p.Gly1262Arg (NM_001164317.2, NM_001164318.2, NM_001164319.2); short protein forms G1262R.
Identifiers: ClinVar variation 1005855 (VCV001005855.9), dbSNP rs139932035, ClinGen allele CA2468538.

ClinVar aggregate classification (germline): Conflicting classifications of pathogenicity. Review status: criteria provided, conflicting classifications (1 of 4 stars). 4 submissions from 4 submitters: Uncertain significance (3); Likely benign (1). Last evaluated 2025-12-23.

Conditions:
Inborn genetic diseases. Identifiers: MedGen C0950123, MeSH D030342.
FLNB-related disorder. Also called: FLNB-related disorders; FLNB-related condition. Identifiers: MedGen CN381095.

Allele frequency attached by ClinVar (database versions not stated): gnomAD 0.00004 and 0.00003; ExAC 0.00013; gnomAD exomes 0.00006 and 0.00015; TOPMed 0.00012; ESP Exome Variant Server 0.00015.

Submissions (4):

Labcorp Genetics (formerly Invitae), Labcorp
Classification: Likely benign. Last evaluated: 2025-12-23. Review status: criteria provided, single submitter. Criteria: Invitae Variant Classification Sherloc (09022015). Collection method: clinical testing. Allele origin: germline.

PreventionGenetics, part of Exact Sciences
Classification: Uncertain significance for FLNB-related condition. Last evaluated: 2023-05-11. Review status: criteria provided, single submitter. Criteria: ACMG Guidelines, 2015. Collection method: clinical testing. Allele origin: germline.
Comment: The FLNB c.3784G>A variant is predicted to result in the amino acid substitution p.Gly1262Arg. To our knowledge, this variant has not been reported in the literature. This variant is reported in 0.075% of alleles in individuals of Latino descent in gnomAD. Although we suspect that this variant may be benign, at this time, the clinical significance of this variant is uncertain due to the absence of conclusive functional and genetic evidence.

GeneDx
Classification: Uncertain significance. Last evaluated: 2020-12-30. Review status: criteria provided, single submitter. Criteria: GeneDx Variant Classification Process June 2021. Collection method: clinical testing. Allele origin: germline. Affected: yes.
Comment: In silico analysis supports that this missense variant has a deleterious effect on protein structure/function; In addition, in silico analysis supports a deleterious effect on splicing; Has not been previously published as pathogenic or benign to our knowledge

Ambry Genetics
Classification: Uncertain significance for Inborn genetic diseases. Last evaluated: 2020-12-15. Review status: criteria provided, single submitter. Criteria: Ambry Variant Classification Scheme 2023. Collection method: clinical testing. Allele origin: germline.
Comment: The c.3784G>A (p.G1262R) alteration is located in exon 22 (coding exon 22) of the FLNB gene. This alteration results from a G to A substitution at nucleotide position 3784, causing the glycine (G) at amino acid position 1262 to be replaced by an arginine (R). The p.G1262R alteration is predicted to be deleterious by in silico analysis. Based on insufficient or conflicting evidence, the clinical significance of this alteration remains unclear.